The following is an entry in ClinVar:

NM_018136.5(ASPM):c.5422_5425del (p.Leu1808fs)

Gene: ASPM (assembly factor for spindle microtubules; minus strand). Cytogenetic location: 1q31.3.
Variant type: Microsatellite.
Coding change: c.5422_5425del on transcript NM_018136.5 (MANE Select); coding-DNA positions 5422 to 5425, 4 bases deleted (TTGC; older notation c.5422_5425delTTGC).
Protein change: p.Leu1808fs; shifts the reading frame from leucine 1808.
Molecular consequence: frameshift variant. On other transcripts: intron variant (1).
Genome position (GRCh38, 1-based): chr1:197,103,826-197,103,829, GCAA deleted on the plus strand (TTGC on the coding strand, the reverse complement: ASPM is on the minus strand); deleting any 4 consecutive bases within chr1:197,103,826-197,103,834 gives the same sequence; the c. name uses the placement nearest the transcript's 3' end. VCF-style (leftmost placement, unchanged base first): chr1-197103825-TGCAA-T. GRCh37 (hg19) VCF-style: chr1-197072955-TGCAA-T.
Other names: c.4066-7665_4066-7662del (NM_001206846.2); short protein forms L1808fs.
Identifiers: ClinVar variation 1335985 (VCV001335985.7), dbSNP rs1403868262, ClinGen allele CA528535015.

ClinVar aggregate classification (germline): Pathogenic/Likely pathogenic. Review status: criteria provided, multiple submitters, no conflicts (2 of 4 stars). 2 submissions from 2 submitters: Pathogenic (1); Likely pathogenic (1). Last evaluated 2023-09-27.

Submissions (2):

Labcorp Genetics (formerly Invitae), Labcorp
Classification: Pathogenic. Last evaluated: 2023-09-27. Review status: criteria provided, single submitter. Criteria: Invitae Variant Classification Sherloc (09022015). Collection method: clinical testing. Allele origin: germline.
Comment: This sequence change creates a premature translational stop signal (p.Leu1808Lysfs*12) in the ASPM gene. It is expected to result in an absent or disrupted protein product. Loss-of-function variants in ASPM are known to be pathogenic (PMID: 19028728, 23611254). This variant is present in population databases (no rsID available, gnomAD 0.0009%). This variant has not been reported in the literature in individuals affected with ASPM-related conditions. ClinVar contains an entry for this variant (Variation ID: 1335985). For these reasons, this variant has been classified as Pathogenic.

Genetic Services Laboratory, University of Chicago
Classification: Likely pathogenic. Last evaluated: 2018-10-03. Review status: criteria provided, single submitter. Criteria: ACMG Guidelines, 2015. Collection method: clinical testing. Allele origin: germline. Affected: yes.
Comment: DNA sequence analysis of the ASPM gene demonstrated a 4 base pair deletion in exon 18, c.5422_5425del. This deletion is predicted to result in an amino acid frameshift and creates a premature stop codon 11 amino acids downstream of the mutation, p.Leu1808Lysfs*12. This likely pathogenic sequence change is predicted to result in an abnormal transcript, which may be degraded, or may lead to the production of a truncated ASMP protein with potentially abnormal function. While this deletion has not previously been described in the literature, other deletions and variants leading to premature truncations in the ASPM gene, specifically in exon 18 have been reported in several patients with ASPM-related primary microcephaly. The c.5422_5425del sequence change has not been observed in the EXAC population database.

Literature cited by the submitters: PubMed 19028728 (cited by Labcorp Genetics (formerly Invitae), Labcorp); PubMed 23611254 (cited by Labcorp Genetics (formerly Invitae), Labcorp).